The following is an entry in ClinVar:

ClinVar aggregate classification (germline): Uncertain significance (1 of 4 stars; one submission).

Conditions:
Primary ciliary dyskinesia. Also called: Ciliary dyskinesia. Identifiers: Orphanet 244, MedGen C0008780, MONDO:0016575, HP:0012265.

Allele frequency attached by ClinVar (database versions not stated): TOPMed 0.00001.

Submission:

Labcorp Genetics (formerly Invitae), Labcorp
Classification: Uncertain significance for Primary ciliary dyskinesia. Last evaluated: 2022-09-01. Review status: criteria provided, single submitter. Criteria: Invitae Variant Classification Sherloc (09022015). Collection method: clinical testing. Allele origin: germline.
Comment: This variant has not been reported in the literature in individuals affected with DNAH8-related conditions. This variant is not present in population databases (gnomAD no frequency). This sequence change replaces valine, which is neutral and non-polar, with isoleucine, which is neutral and non-polar, at codon 3858 of the DNAH8 protein (p.Val3858Ile). In summary, the available evidence is currently insufficient to determine the role of this variant in disease. Therefore, it has been classified as a Variant of Uncertain Significance. Algorithms developed to predict the effect of missense changes on protein structure and function are either unavailable or do not agree on the potential impact of this missense change (SIFT: "Tolerated"; PolyPhen-2: "Not Available"; Align-GVGD: "Class C0"). ClinVar contains an entry for this variant (Variation ID: 936723).

NM_001206927.2(DNAH8):c.11572G>A (p.Val3858Ile)

Genes: DNAH8 (dynein axonemal heavy chain 8; plus strand), DNAH8-AS1 (DNAH8 antisense RNA 1; minus strand). Cytogenetic location: 6p21.2.
Variant type: single nucleotide variant.
Coding change: c.11572G>A on transcript NM_001206927.2 (MANE Select); coding-DNA position 11572, G replaced by A.
Protein change: p.Val3858Ile; replaces valine 3858 with isoleucine.
Molecular consequence: missense variant.
Genome position (GRCh38, 1-based): chr6:38,937,982, G>A. VCF-style: chr6-38937982-G-A. GRCh37 (hg19) VCF-style: chr6-38905758-G-A.
Other names: c.10921G>A, p.Val3641Ile (NM_001371.4); short protein forms V3641I, V3858I.
Identifiers: ClinVar variation 936723 (VCV000936723.10), dbSNP rs1783104585, ClinGen allele CA364019980.